The following is an entry in ClinVar:

ClinVar aggregate classification (germline): Uncertain significance. Review status: criteria provided, multiple submitters, no conflicts (2 of 4 stars). 2 submissions from 2 submitters: Uncertain significance (2). Last evaluated 2019-11-25.

Allele frequency attached by ClinVar (database versions not stated): gnomAD 0.00001; TOPMed 0.00001.
gnomAD v4.1: 46 of 1,613,130 alleles (0.0029%); highest among the groups gnomAD compares: Middle Eastern, 0.016%; no homozygotes.

Submissions (2):

Labcorp Genetics (formerly Invitae), Labcorp
Classification: Uncertain significance. Last evaluated: 2019-11-25. Review status: criteria provided, single submitter. Criteria: Invitae Variant Classification Sherloc (09022015). Collection method: clinical testing. Allele origin: germline.
Comment: In summary, the available evidence is currently insufficient to determine the role of this variant in disease. Therefore, it has been classified as a Variant of Uncertain Significance. Algorithms developed to predict the effect of missense changes on protein structure and function are either unavailable or do not agree on the potential impact of this missense change (SIFT: "Deleterious"; PolyPhen-2: "Probably Damaging"; Align-GVGD: "Class C15"). This variant has not been reported in the literature in individuals with KCNV2-related conditions. This variant is present in population databases (rs768242305, ExAC 0.003%). This sequence change replaces valine with methionine at codon 169 of the KCNV2 protein (p.Val169Met). The valine residue is highly conserved and there is a small physicochemical difference between valine and methionine.

Blueprint Genetics
Classification: Uncertain significance. Last evaluated: 2018-10-24. Review status: criteria provided, single submitter. Criteria: ACMG Guidelines, 2015. Collection method: clinical testing. Allele origin: germline.

NM_133497.4(KCNV2):c.505G>A (p.Val169Met)

Gene: KCNV2 (potassium voltage-gated channel modifier subfamily V member 2; plus strand). Cytogenetic location: 9p24.2.
Variant type: single nucleotide variant.
Coding change: c.505G>A on transcript NM_133497.4 (MANE Select); coding-DNA position 505, G replaced by A.
Protein change: p.Val169Met; replaces valine 169 with methionine.
Molecular consequence: missense variant.
Genome position (GRCh38, 1-based): chr9:2,718,244, G>A. VCF-style: chr9-2718244-G-A. GRCh37 (hg19) VCF-style: chr9-2718244-G-A.
Other names: short protein forms V169M.
Identifiers: ClinVar variation 838002 (VCV000838002.10), dbSNP rs768242305, ClinGen allele CA4965481.